The following is an entry in ClinVar:

ClinVar aggregate classification (germline): Uncertain significance (1 of 4 stars; one submission).

Conditions:
Charcot-Marie-Tooth disease axonal type 2O. Also called: Charcot-Marie-Tooth disease, axonal, type 20; CHARCOT-MARIE-TOOTH NEUROPATHY, AXONAL, TYPE 2O; CHARCOT-MARIE-TOOTH DISEASE, AXONAL, AUTOSOMAL DOMINANT, TYPE 2O; Charcot-Marie-Tooth Neuropathy Type 2O. Identifiers: Orphanet 284232, MedGen C3280220, MONDO:0013644, OMIM 614228.

Submission:

Labcorp Genetics (formerly Invitae), Labcorp
Classification: Uncertain significance for Charcot-Marie-Tooth disease, axonal, type 2O. Last evaluated: 2019-07-31. Review status: criteria provided, single submitter. Criteria: Invitae Variant Classification Sherloc (09022015). Collection method: clinical testing. Allele origin: germline.
Comment: This sequence change replaces tryptophan with cysteine at codon 2845 of the DYNC1H1 protein (p.Trp2845Cys). The tryptophan residue is highly conserved and there is a large physicochemical difference between tryptophan and cysteine. This variant is not present in population databases (ExAC no frequency). This variant has not been reported in the literature in individuals with DYNC1H1-related conditions. Algorithms developed to predict the effect of missense changes on protein structure and function are either unavailable or do not agree on the potential impact of this missense change (SIFT: "Deleterious"; PolyPhen-2: "Probably Damaging"; Align-GVGD: "Class C0"). In summary, the available evidence is currently insufficient to determine the role of this variant in disease. Therefore, it has been classified as a Variant of Uncertain Significance.

NM_001376.5(DYNC1H1):c.8535G>T (p.Trp2845Cys)

Gene: DYNC1H1 (dynein cytoplasmic 1 heavy chain 1; plus strand). Cytogenetic location: 14q32.31.
Variant type: single nucleotide variant.
Coding change: c.8535G>T on transcript NM_001376.5 (MANE Select); coding-DNA position 8535, G replaced by T.
Protein change: p.Trp2845Cys; replaces tryptophan 2845 with cysteine.
Molecular consequence: missense variant.
Genome position (GRCh38, 1-based): chr14:102,022,778, G>T. VCF-style: chr14-102022778-G-T. GRCh37 (hg19) VCF-style: chr14-102489115-G-T.
Other names: short protein forms W2845C.
Identifiers: ClinVar variation 955973 (VCV000955973.1), dbSNP rs2048401118, ClinGen allele CA391007051.
Genomic context (GRCh38, chr14:102,022,778, plus strand): 5'-GTTACCTAAATGCACATGCTGCTCTCCCCACAGACTCGTAGAGGATGAGGAGAGGCGTTG[G>T]ACTGATGAGAACATCGACACGGTTGCTCTGAAGCACTTCCCTAACATCGACAGAGAGAAG-3'
Protein context (NP_001367.2, residues 2835-2855): DRLVEDEERR[Trp2845Cys]TDENIDTVAL